The following is an entry in ClinVar:

NM_001365951.3(KIF1B):c.437A>G (p.Tyr146Cys)

Gene: KIF1B (kinesin family member 1B; plus strand). Cytogenetic location: 1p36.22.
Variant type: single nucleotide variant.
Coding change: c.437A>G on transcript NM_001365951.3 (MANE Select); coding-DNA position 437, A replaced by G.
Protein change: p.Tyr146Cys; replaces tyrosine 146 with cysteine.
Molecular consequence: missense variant.
Genome position (GRCh38, 1-based): chr1:10,267,387, A>G. VCF-style: chr1-10267387-A-G. GRCh37 (hg19) VCF-style: chr1-10327445-A-G.
Other names: c.437A>G, p.Tyr146Cys (NM_001365952.1, NM_001365953.1, NM_015074.3 and 1 more transcripts); short protein forms Y146C.
Identifiers: ClinVar variation 1740133 (VCV001740133.2), dbSNP rs2521041285, ClinGen allele CA338328720.
Genomic context (GRCh38, chr1:10,267,387, plus strand): 5'-TTCTGTATGTGATTTCTTTTTCACTCTAATTCACTTTACTAATTTGTTCATAGGTGAGCT[A>G]CATGGAAATTTACTGTGAAAGAGTACGAGATTTGCTGAATCCAAAAAACAAGGGTAATTT-3'
Protein context (NP_001352880.1, residues 136-156): EEMSYSVEVS[Tyr146Cys]MEIYCERVRD

ClinVar aggregate classification (germline): Uncertain significance (1 of 4 stars; one submission).

Allele frequency attached by ClinVar (database versions not stated): gnomAD exomes below 0.00001.
gnomAD v4.1: 1 of 1,614,036 alleles (0.000062%); highest among the groups gnomAD compares: Non-Finnish European, 0.000085%; no homozygotes.

Submission:

Ambry Genetics
Classification: Uncertain significance. Last evaluated: 2021-06-13. Review status: criteria provided, single submitter. Criteria: Ambry Variant Classification Scheme 2023. Collection method: clinical testing. Allele origin: germline.
Comment: The p.Y146C variant (also known as c.437A>G), located in coding exon 5 of the KIF1B gene, results from an A to G substitution at nucleotide position 437. The tyrosine at codon 146 is replaced by cysteine, an amino acid with highly dissimilar properties. This amino acid position is conserved. In addition, this alteration is predicted to be deleterious by in silico analysis. Since supporting evidence is limited at this time, the clinical significance of this alteration remains unclear.